The following is an entry in ClinVar:

ClinVar aggregate classification (germline): Uncertain significance (1 of 4 stars; one submission).

Allele frequency attached by ClinVar (database versions not stated): gnomAD exomes below 0.00001; gnomAD 0.00001.
gnomAD v4.1: 3 of 1,614,024 alleles (0.00019%); highest among the groups gnomAD compares: Non-Finnish European, 0.00025%; no homozygotes.

Submission:

Labcorp Genetics (formerly Invitae), Labcorp
Classification: Uncertain significance. Last evaluated: 2022-04-29. Review status: criteria provided, single submitter. Criteria: Invitae Variant Classification Sherloc (09022015). Collection method: clinical testing. Allele origin: germline.
Comment: In summary, the available evidence is currently insufficient to determine the role of this variant in disease. Therefore, it has been classified as a Variant of Uncertain Significance. Algorithms developed to predict the effect of missense changes on protein structure and function (SIFT, PolyPhen-2, Align-GVGD) all suggest that this variant is likely to be disruptive. This variant has not been reported in the literature in individuals affected with USH2A-related conditions. This variant is present in population databases (no rsID available, gnomAD 0.0009%). This sequence change replaces proline, which is neutral and non-polar, with leucine, which is neutral and non-polar, at codon 846 of the USH2A protein (p.Pro846Leu).

NM_206933.4(USH2A):c.2537C>T (p.Pro846Leu)

Genes: USH2A (usherin; minus strand), LOC122152296 (Sharpr-MPRA regulatory region 8762; plus strand). Cytogenetic location: 1q41.
Variant type: single nucleotide variant.
Coding change: c.2537C>T on transcript NM_206933.4 (MANE Select); coding-DNA position 2537, C replaced by T.
Protein change: p.Pro846Leu; replaces proline 846 with leucine.
Molecular consequence: missense variant.
Genome position (GRCh38, 1-based): chr1:216,246,857, G>A on the plus strand (C>T on the coding strand, the complement: USH2A is on the minus strand). VCF-style: chr1-216246857-G-A. GRCh37 (hg19) VCF-style: chr1-216420199-G-A.
Other names: c.2537C>T, p.Pro846Leu (NM_007123.6); short protein forms P846L.
Identifiers: ClinVar variation 2182917 (VCV002182917.4), dbSNP rs1341016463, ClinGen allele CA344864579.